The following is an entry in ClinVar:

NM_000679.4(ADRA1B):c.78T>C (p.Thr26=)

Gene: ADRA1B (adrenoceptor alpha 1B; plus strand). Cytogenetic location: 5q33.3.
Variant type: single nucleotide variant.
Coding change: c.78T>C on transcript NM_000679.4 (MANE Select); coding-DNA position 78, T replaced by C.
Protein change: p.Thr26=; no amino-acid change (threonine 26 retained).
Molecular consequence: synonymous variant.
Genome position (GRCh38, 1-based): chr5:159,916,983, T>C. VCF-style: chr5-159916983-T-C. GRCh37 (hg19) VCF-style: chr5-159343990-T-C.
Identifiers: ClinVar variation 2656007 (VCV002656007.24), dbSNP rs201086906, ClinGen allele CA3538941.

ClinVar aggregate classification (germline): Likely benign (1 of 4 stars; one submission).

Allele frequency attached by ClinVar (database versions not stated): TOPMed 0.00004; gnomAD 0.00028; gnomAD exomes 0.00054; ExAC 0.00133; 1000 Genomes Project 30x 0.00187; 1000 Genomes Project 0.00220.
gnomAD v4.1: 831 of 1,614,134 alleles (0.051%); highest among the groups gnomAD compares: South Asian, 0.85%; 10 homozygotes.

Submission:

CeGaT Center for Human Genetics Tuebingen
Classification: Likely benign. Last evaluated: 2023-02-01. Review status: criteria provided, single submitter. Criteria: CeGaT Center For Human Genetics Tuebingen Variant Classification Criteria Version 2. Collection method: clinical testing. Allele origin: germline. Affected: yes. Observed: 1 variant allele.
Comment: ADRA1B: BP4, BP7, BS2